The following is an entry in ClinVar:

ClinVar aggregate classification (germline): Uncertain significance. Review status: criteria provided, multiple submitters, no conflicts (2 of 4 stars). 2 submissions from 2 submitters: Uncertain significance (2). Last evaluated 2024-11-22.

Conditions:
Lymphatic malformation 9. Identifiers: MedGen C5543365, MONDO:0030270, OMIM 619319.

Allele frequency attached by ClinVar (database versions not stated): ExAC 0.00002; gnomAD 0.00004; TOPMed 0.00004; gnomAD exomes 0.00008; ESP Exome Variant Server 0.00015.
gnomAD v4.1: 122 of 1,613,108 alleles (0.0076%); highest among the groups gnomAD compares: Non-Finnish European, 0.0096%; no homozygotes.

Submissions (2):

Clinical Genomics Laboratory, Washington University in St. Louis
Classification: Uncertain significance for Lymphatic malformation 9. Last evaluated: 2024-11-22. Review status: criteria provided, single submitter. Criteria: ACMG Guidelines, 2015. Collection method: clinical testing. Allele origin: germline.
Comment: A CELSR1 c.7792G>A (p.Gly2598Arg) variant was identified at a near heterozygous allelic fraction of 49.2%, a frequency which may be consistent with germline origin. This variant, to our knowledge has not been reported in the medical literature. It has been reported in the ClinVar database as agermline variant of uncertain significance by one submitter (ClinVar Variation ID: 2280833). The CELSR1 c.7792G>A (p.Gly2598Arg) variant is observed on 122/1,613,108 alleles in the general population (gnomAD v4.1.0). Computational predictors are uncertain as to the impact of this variant on CELSR1 function. Due to limited information, and based on ACMG/AMP guidelines for variant interpretation (Richards S et al., PMID: 25741868), the clinical significance of this variant is uncertain at this time.

Ambry Genetics
Classification: Uncertain significance. Last evaluated: 2022-03-29. Review status: criteria provided, single submitter. Criteria: Ambry Variant Classification Scheme 2023. Collection method: clinical testing. Allele origin: germline.

NM_001378328.1(CELSR1):c.7792G>A (p.Gly2598Arg)

Gene: CELSR1 (cadherin EGF LAG seven-pass G-type receptor 1; minus strand). Cytogenetic location: 22q13.31.
Variant type: single nucleotide variant.
Coding change: c.7792G>A on transcript NM_001378328.1 (MANE Select); coding-DNA position 7792, G replaced by A.
Protein change: p.Gly2598Arg; replaces glycine 2598 with arginine.
Molecular consequence: missense variant.
Genome position (GRCh38, 1-based): chr22:46,369,772, C>T on the plus strand (G>A on the coding strand, the complement: CELSR1 is on the minus strand). VCF-style: chr22-46369772-C-T. GRCh37 (hg19) VCF-style: chr22-46765669-C-T.
Other names: c.7792G>A, p.Gly2598Arg (NM_014246.4); short protein forms G2598R.
Identifiers: ClinVar variation 2280833 (VCV002280833.3), dbSNP rs375467789, ClinGen allele CA10293181.